The following is an entry in ClinVar:

NM_001032283.3(TMPO):c.185C>T (p.Pro62Leu)

Genes: TMPO (thymopoietin; plus strand), TMPO-AS1 (TMPO antisense RNA 1; minus strand). Cytogenetic location: 12q23.1.
Variant type: single nucleotide variant.
Coding change: c.185C>T on transcript NM_001032283.3 (MANE Select); coding-DNA position 185, C replaced by T.
Protein change: p.Pro62Leu; replaces proline 62 with leucine.
Molecular consequence: missense variant. On other transcripts: non-coding transcript variant (1).
Genome position (GRCh38, 1-based): chr12:98,516,052, C>T. VCF-style: chr12-98516052-C-T. GRCh37 (hg19) VCF-style: chr12-98909830-C-T.
Other names: c.185C>T, p.Pro62Leu (NM_001032284.3, NM_001307975.2, NM_003276.2); short protein forms P62L.
Identifiers: ClinVar variation 1401256 (VCV001401256.9), dbSNP rs746863579, ClinGen allele CA6732123.

ClinVar aggregate classification (germline): Uncertain significance. Review status: criteria provided, multiple submitters, no conflicts (2 of 4 stars). 2 submissions from 2 submitters: Uncertain significance (2). Last evaluated 2025-01-18.

Conditions:
Loeys-Dietz syndrome 2 (LDS2). Also called: TGFBR2-Related Loeys-Dietz Syndrome; Marfan syndrome, type 2 (formerly); AORTIC ANEURYSM, FAMILIAL THORACIC 3; MARFAN SYNDROME, TYPE II; Marfan Syndrome type 2; Marfan like connective tissue disorder. Identifiers: Orphanet 284973, Orphanet 558, MedGen C2674574, MONDO:0012427, OMIM 610168.

Allele frequency attached by ClinVar (database versions not stated): ExAC 0.00002.
gnomAD v4.1: 2 of 1,610,806 alleles (0.00012%); highest among the groups gnomAD compares: South Asian, 0.0011%; no homozygotes.

Submissions (2):

Ambry Genetics
Classification: Uncertain significance. Last evaluated: 2025-01-18. Review status: criteria provided, single submitter. Criteria: Ambry Variant Classification Scheme 2023. Collection method: clinical testing. Allele origin: germline.

Labcorp Genetics (formerly Invitae), Labcorp
Classification: Uncertain significance for Loeys-Dietz syndrome 2. Last evaluated: 2021-03-21. Review status: criteria provided, single submitter. Criteria: Invitae Variant Classification Sherloc (09022015). Collection method: clinical testing. Allele origin: germline.
Comment: In summary, the available evidence is currently insufficient to determine the role of this variant in disease. Therefore, it has been classified as a Variant of Uncertain Significance. Algorithms developed to predict the effect of missense changes on protein structure and function are either unavailable or do not agree on the potential impact of this missense change (SIFT: "Deleterious"; PolyPhen-2: "Benign"; Align-GVGD: "Class C0"). This variant has not been reported in the literature in individuals with TMPO-related conditions. This variant is present in population databases (rs746863579, ExAC 0.01%). This sequence change replaces proline with leucine at codon 62 of the TMPO protein (p.Pro62Leu). The proline residue is moderately conserved and there is a moderate physicochemical difference between proline and leucine.